The following is an entry in ClinVar:

ClinVar aggregate classification (germline): Uncertain significance (1 of 4 stars; one submission).

gnomAD v4.1: 2 of 1,611,246 alleles (0.00012%); highest among the groups gnomAD compares: Non-Finnish European, 0.000085%; no homozygotes.

Submission:

Labcorp Genetics (formerly Invitae), Labcorp
Classification: Uncertain significance. Last evaluated: 2024-02-14. Review status: criteria provided, single submitter. Criteria: Invitae Variant Classification Sherloc (09022015). Collection method: clinical testing. Allele origin: germline.
Comment: This sequence change replaces proline, which is neutral and non-polar, with serine, which is neutral and polar, at codon 1858 of the DCHS1 protein (p.Pro1858Ser). The frequency data for this variant in the population databases is considered unreliable, as metrics indicate poor data quality at this position in the gnomAD database. This variant has not been reported in the literature in individuals affected with DCHS1-related conditions. Advanced modeling of protein sequence and biophysical properties (such as structural, functional, and spatial information, amino acid conservation, physicochemical variation, residue mobility, and thermodynamic stability) performed at Invitae indicates that this missense variant is not expected to disrupt DCHS1 protein function with a negative predictive value of 80%. In summary, the available evidence is currently insufficient to determine the role of this variant in disease. Therefore, it has been classified as a Variant of Uncertain Significance.

NM_003737.4(DCHS1):c.5572C>T (p.Pro1858Ser)

Gene: DCHS1 (dachsous cadherin-related 1; minus strand). Cytogenetic location: 11p15.4.
Variant type: single nucleotide variant.
Coding change: c.5572C>T on transcript NM_003737.4 (MANE Select); coding-DNA position 5572, C replaced by T.
Protein change: p.Pro1858Ser; replaces proline 1858 with serine.
Molecular consequence: missense variant.
Genome position (GRCh38, 1-based): chr11:6,627,467, G>A on the plus strand (C>T on the coding strand, the complement: DCHS1 is on the minus strand). VCF-style: chr11-6627467-G-A. GRCh37 (hg19) VCF-style: chr11-6648698-G-A.
Other names: short protein forms P1858S.
Identifiers: ClinVar variation 3701681 (VCV003701681.2).
Genomic context (GRCh38, chr11:6,627,467, plus strand): 5'-GTAGCTGCAGCAGCAGGGTCCCTGCAGGCACATCCTCCGGCACCTCCACCGAGTAGGCAG[G>A]CACAGGAAAGGCTGGAGCATGGTCATTGGCATCCAGCACTGTCACTGTCAAAAGCAGCGT-3'
Protein context (NP_003728.1, residues 1848-1868): ANDHAPAFPV[Pro1858Ser]AYSVEVPEDV